The following is an entry in ClinVar:

NM_000521.4(HEXB):c.841C>T (p.Arg281Ter)

Gene: HEXB (hexosaminidase subunit beta; plus strand). Cytogenetic location: 5q13.3.
Variant type: single nucleotide variant.
Coding change: c.841C>T on transcript NM_000521.4 (MANE Select); coding-DNA position 841, C replaced by T.
Protein change: p.Arg281Ter; replaces arginine 281 with a stop codon.
Molecular consequence: nonsense.
Genome position (GRCh38, 1-based): chr5:74,713,575, C>T. VCF-style: chr5-74713575-C-T. GRCh37 (hg19) VCF-style: chr5-74009400-C-T.
Other names: p.Arg281Ter; c.166C>T, p.Arg56Ter (NM_001292004.2); short protein forms R281*, R56*.
Identifiers: ClinVar variation 623308 (VCV000623308.19), dbSNP rs138914144, ClinGen allele CA3305958.

ClinVar aggregate classification (germline): Pathogenic/Likely pathogenic. Review status: criteria provided, multiple submitters, no conflicts (2 of 4 stars). 10 submissions from 10 submitters: Pathogenic (6); Likely pathogenic (4). Last evaluated 2026-09-26.

Conditions:
Sandhoff disease. Also called: Beta-hexosaminidase-beta-subunit deficiency; GM2 gangliosidosis, type 2; Total hexosaminidase deficiency; Sandhoff-Jatzkewitz-Pilz disease; GM2-GANGLIOSIDOSIS, TYPE II; HEXOSAMINIDASES A AND B DEFICIENCY. Identifiers: Orphanet 796, MedGen C0036161, MONDO:0010006, OMIM 268800.

Allele frequency attached by ClinVar (database versions not stated): ExAC 0.00002; gnomAD exomes 0.00001 and 0.00002; TOPMed 0.00003; gnomAD 0.00001; ESP Exome Variant Server 0.00008.
gnomAD v4.1: 14 of 1,612,670 alleles (0.00087%); highest among the groups gnomAD compares: African/African-American, 0.0027%; no homozygotes.

Submissions (10):

GeneDx
Classification: Likely pathogenic. Last evaluated: 2026-09-26. Review status: criteria provided, single submitter. Criteria: GeneDx Variant Classification Process June 2021. Collection method: clinical testing. Allele origin: germline.
Comment: Nonsense variant predicted to result in protein truncation or nonsense mediated decay in a gene for which loss of function is a known mechanism of disease; Not observed at significant frequency in large population cohorts (gnomAD); Observed with a second variant in HEXB in a patient with epilepsy; the phase of these variants and enzyme activity was not reported (PMID: 33287870); This variant is associated with the following publications: (PMID: 31589614, 28476546, 33287870)

Labcorp Genetics (formerly Invitae), Labcorp
Classification: Pathogenic for Sandhoff disease. Last evaluated: 2025-07-14. Review status: criteria provided, single submitter. Criteria: Invitae Variant Classification Sherloc (09022015). Collection method: clinical testing. Allele origin: germline.
Comment: This sequence change creates a premature translational stop signal (p.Arg281*) in the HEXB gene. It is expected to result in an absent or disrupted protein product. Loss-of-function variants in HEXB are known to be pathogenic (PMID: 7550345, 18758829). This variant is present in population databases (rs138914144, gnomAD 0.004%). This variant has not been reported in the literature in individuals affected with HEXB-related conditions. ClinVar contains an entry for this variant (Variation ID: 623308). For these reasons, this variant has been classified as Pathogenic.

Natera, Inc.
Classification: Likely pathogenic for Sandhoff disease. Last evaluated: 2025-03-31. Review status: criteria provided, single submitter. Criteria: Natera Variant Classification Schema (03/2026). Collection method: clinical testing. Allele origin: germline.
Comment: The c.841C>T variant in HEXB is a nonsense variant predicted to introduce a stop codon at amino acid 281. This variant is expected to result in nonsense mediated decay, truncation, or a dysfunctional protein product. This variant is rare in the general population with a frequency below the threshold expected for the associated phenotype(s). Given the available evidence, this variant is classified as Likely Pathogenic.

3billion
Classification: Pathogenic for Sandhoff disease. Last evaluated: 2024-12-02. Review status: criteria provided, single submitter. Criteria: ACMG Guidelines, 2015. Collection method: clinical testing. Allele origin: germline. Affected: yes.
Comment: The variant is observed at an extremely low frequency in the gnomAD v4.1.0 dataset (total allele frequency: <0.001%). Predicted Consequence/Location: Stop-gained (nonsense): predicted to result in a loss or disruption of normal protein function through nonsense-mediated decay (NMD) or protein truncation. Multiple pathogenic variants are reported downstream of the variant. The variant has been reported at least twice as pathogenic with clinical assertions and evidence for the classification (ClinVar ID: VCV000623308 /PMID: 31589614). Therefore, this variant is classified as Pathogenic according to the recommendation of ACMG/AMP guideline.

Centre of Medical Genetics, University Hospital Muenster
Classification: Likely pathogenic. Last evaluated: 2024-09-03. Review status: criteria provided, single submitter. Criteria: ACMG Guidelines, 2015. Collection method: clinical testing. Allele origin: unknown. Affected: yes. Observed: 1 variant allele, 1 heterozygote.
Comment: ACMG categories: PVS1,PM2

Fulgent Genetics
Classification: Likely pathogenic for Sandhoff disease. Last evaluated: 2024-05-04. Review status: criteria provided, single submitter. Criteria: ACMG Guidelines, 2015. Collection method: clinical testing. Allele origin: germline.

Genomic Medicine Center of Excellence, King Faisal Specialist Hospital and Research Centre
Classification: Pathogenic for Sandhoff disease. Last evaluated: 2024-03-29. Review status: criteria provided, single submitter. Criteria: ACMG Guidelines, 2015. Collection method: clinical testing. Allele origin: germline.

Laboratory of Medical Genetics, National & Kapodistrian University of Athens
Classification: Pathogenic for Sandhoff disease. Last evaluated: 2024-02-01. Review status: criteria provided, single submitter. Criteria: ACMG Guidelines, 2015. Collection method: curation. Allele origin: germline. Affected: no.

Foundation for Research in Genetics and Endocrinology, FRIGE's Institute of Human Genetics
Classification: Pathogenic for Sandhoff disease. Last evaluated: 2023-12-08. Review status: criteria provided, single submitter. Criteria: ACMG Guidelines, 2015. Collection method: clinical testing. Allele origin: germline. Inheritance: Autosomal recessive inheritance. Affected: yes. Observed: 1 compound heterozygote.
Comment: A heterozygous nonsense variation in exon 7 of the HEXB gene that results in a stop codon and premature truncation of the protein at codon 281 was detected. The observed variant c.841C>T (p.Arg281Ter) has not been reported in 1000 genomes and has MAF of 0.002% in gnomAD databases. The in-silico prediction of the variant is disease causing by MutationTaster2 and SpliceAI. The reference codon is conserved across species. In summary, the variant meets our criteria to be classified as a pathogenic.

Department of Genetics, Sultan Qaboos University Hospital
Classification: Pathogenic for Sandhoff disease. Last evaluated: 2017-12-30. Review status: criteria provided, single submitter. Criteria: ACMG Guidelines, 2015. Collection method: curation. Allele origin: unknown. Affected: yes.

Literature cited by the submitters: PubMed 7550345 (cited by Labcorp Genetics (formerly Invitae), Labcorp); PubMed 18758829 (cited by Labcorp Genetics (formerly Invitae), Labcorp); PubMed 31589614 (cited by 3billion).